The following is an entry in ClinVar:

ClinVar aggregate classification (germline): Uncertain significance (1 of 4 stars; one submission).

Conditions:
DICER1-related tumor predisposition. Also called: DICER1-related pleuropulmonary blastoma cancer predisposition syndrome; DICER1 syndrome. Identifiers: Orphanet 284343, MedGen C3839822, MONDO:0100216.

Submission:

Labcorp Genetics (formerly Invitae), Labcorp
Classification: Uncertain significance for DICER1-related tumor predisposition. Last evaluated: 2024-02-29. Review status: criteria provided, single submitter. Criteria: Invitae Variant Classification Sherloc (09022015). Collection method: clinical testing. Allele origin: germline.
Comment: This sequence change replaces glutamic acid, which is acidic and polar, with glycine, which is neutral and non-polar, at codon 128 of the DICER1 protein (p.Glu128Gly). This variant is not present in population databases (gnomAD no frequency). This variant has not been reported in the literature in individuals affected with DICER1-related conditions. Advanced modeling of protein sequence and biophysical properties (such as structural, functional, and spatial information, amino acid conservation, physicochemical variation, residue mobility, and thermodynamic stability) performed at Invitae indicates that this missense variant is not expected to disrupt DICER1 protein function with a negative predictive value of 80%. In summary, the available evidence is currently insufficient to determine the role of this variant in disease. Therefore, it has been classified as a Variant of Uncertain Significance.

NM_177438.3(DICER1):c.383A>G (p.Glu128Gly)

Gene: DICER1 (dicer 1, ribonuclease III; minus strand). Cytogenetic location: 14q32.13.
Variant type: single nucleotide variant.
Coding change: c.383A>G on transcript NM_177438.3 (MANE Select); coding-DNA position 383, A replaced by G.
Protein change: p.Glu128Gly; replaces glutamic acid 128 with glycine.
Molecular consequence: missense variant. On other transcripts: 5 prime UTR variant (2), non-coding transcript variant (5), intron variant (6).
Genome position (GRCh38, 1-based): chr14:95,131,564, T>C on the plus strand (A>G on the coding strand, the complement: DICER1 is on the minus strand). VCF-style: chr14-95131564-T-C. GRCh37 (hg19) VCF-style: chr14-95597901-T-C.
Other names: c.383A>G, p.Glu128Gly (NM_001195573.1, NM_001271282.3, NM_001291628.2 and 14 more transcripts); c.101A>G, p.Glu34Gly (NM_001395686.1); c.-76A>G (NM_001395691.1); c.-1186A>G (NM_001395697.1); c.33+951A>G (NM_001395690.1, NM_001395687.1, NM_001395689.1 and 3 more transcripts); short protein forms E34G, E128G.
Identifiers: ClinVar variation 3677441 (VCV003677441.2).